The following is an entry in ClinVar:

NM_001430.5(EPAS1):c.275T>G (p.Leu92Arg)

Gene: EPAS1 (endothelial PAS domain protein 1; plus strand). Cytogenetic location: 2p21.
Variant type: single nucleotide variant.
Coding change: c.275T>G on transcript NM_001430.5 (MANE Select); coding-DNA position 275, T replaced by G.
Protein change: p.Leu92Arg; replaces leucine 92 with arginine.
Molecular consequence: missense variant.
Genome position (GRCh38, 1-based): chr2:46,356,208, T>G. VCF-style: chr2-46356208-T-G. GRCh37 (hg19) VCF-style: chr2-46583347-T-G.
Other names: short protein forms L92R.
Identifiers: ClinVar variation 1795678 (VCV001795678.2), dbSNP rs2103628602, ClinGen allele CA346697789.

ClinVar aggregate classification (germline): Uncertain significance (1 of 4 stars; one submission).

Conditions:
Inborn genetic diseases. Identifiers: MedGen C0950123, MeSH D030342.

Submission:

Ambry Genetics
Classification: Uncertain significance for Inborn genetic diseases. Last evaluated: 2022-02-21. Review status: criteria provided, single submitter. Criteria: Ambry Variant Classification Scheme 2023. Collection method: clinical testing. Allele origin: germline.
Comment: The p.L92R variant (also known as c.275T>G), located in coding exon 3 of the EPAS1 gene, results from a T to G substitution at nucleotide position 275. The leucine at codon 92 is replaced by arginine, an amino acid with dissimilar properties. This amino acid position is conserved. In addition, this alteration is predicted to be deleterious by in silico analysis. Since supporting evidence is limited at this time, the clinical significance of this alteration remains unclear.